The following is an entry in ClinVar:

NM_000141.5(FGFR2):c.1670A>G (p.Asp557Gly)

Gene: FGFR2 (fibroblast growth factor receptor 2; minus strand). Cytogenetic location: 10q26.13.
Variant type: single nucleotide variant.
Coding change: c.1670A>G on transcript NM_000141.5 (MANE Select); coding-DNA position 1670, A replaced by G.
Protein change: p.Asp557Gly; replaces aspartic acid 557 with glycine.
Molecular consequence: missense variant. On other transcripts: non-coding transcript variant (1).
Genome position (GRCh38, 1-based): chr10:121,498,497, T>C on the plus strand (A>G on the coding strand, the complement: FGFR2 is on the minus strand). VCF-style: chr10-121498497-T-C. GRCh37 (hg19) VCF-style: chr10-123258011-T-C.
Other names: c.1673A>G, p.Asp558Gly (NM_001144913.1, NM_022970.4); c.1334A>G, p.Asp445Gly (NM_001144914.1); c.1403A>G, p.Asp468Gly (NM_001144915.2, NM_023029.3); c.1325A>G, p.Asp442Gly (NM_001144916.2, NM_001441090.1); c.1322A>G, p.Asp441Gly (NM_001144917.2); c.1319A>G, p.Asp440Gly (NM_001144918.2, NM_001441091.1); c.1406A>G, p.Asp469Gly (NM_001144919.2); c.986A>G, p.Asp329Gly (NM_001320654.2); and 4 more; short protein forms D329G, D440G, D441G, D442G, D445G, D466G, D467G, D468G.
Identifiers: ClinVar variation 5018360 (VCV005018360.1).

ClinVar aggregate classification (germline): Uncertain significance (1 of 4 stars; one submission).

gnomAD v4.1: 1 of 1,578,134 alleles (0.000063%); highest among the groups gnomAD compares: Non-Finnish European, 0.000087%; no homozygotes.

Submission:

GeneDx
Classification: Uncertain significance. Last evaluated: 2026-04-09. Review status: criteria provided, single submitter. Criteria: GeneDx Variant Classification Process June 2021. Collection method: clinical testing. Allele origin: germline.
Comment: Not observed at significant frequency in large population cohorts (gnomAD); In silico analysis supports that this missense variant has a deleterious effect on protein structure/function; Has not been previously reported as pathogenic or benign to our knowledge; This variant is associated with the following publications: (PMID: 11781872, 21487019)